The following is an entry in ClinVar:

ClinVar aggregate classification (germline): Uncertain significance (1 of 4 stars; one submission).

Submission:

GeneDx
Classification: Uncertain significance. Last evaluated: 2024-11-12. Review status: criteria provided, single submitter. Criteria: GeneDx Variant Classification Process June 2021. Collection method: clinical testing. Allele origin: germline. Affected: yes.
Comment: Not observed at significant frequency in large population cohorts (gnomAD); In silico analysis supports that this missense variant has a deleterious effect on protein structure/function; Has not been previously published as pathogenic or benign to our knowledge

NM_001321075.3(DLG4):c.485A>C (p.Lys162Thr)

Gene: DLG4 (discs large MAGUK scaffold protein 4; minus strand). Cytogenetic location: 17p13.1.
Variant type: single nucleotide variant.
Coding change: c.485A>C on transcript NM_001321075.3 (MANE Select); coding-DNA position 485, A replaced by C.
Protein change: p.Lys162Thr; replaces lysine 162 with threonine.
Molecular consequence: missense variant. On other transcripts: non-coding transcript variant (1).
Genome position (GRCh38, 1-based): chr17:7,203,444, T>G on the plus strand (A>C on the coding strand, the complement: DLG4 is on the minus strand). VCF-style: chr17-7203444-T-G. GRCh37 (hg19) VCF-style: chr17-7106763-T-G.
Other names: c.476A>C, p.Lys159Thr (NM_001128827.4); c.605A>C, p.Lys202Thr (NM_001321074.1); c.305A>C, p.Lys102Thr (NM_001321076.3, NM_001321077.3); c.614A>C, p.Lys205Thr (NM_001365.5); c.404A>C, p.Lys135Thr (NM_001369566.3); short protein forms K102T, K135T, K159T, K162T, K202T, K205T.
Identifiers: ClinVar variation 3899155 (VCV003899155.1).